The following is an entry in ClinVar:

ClinVar aggregate classification (germline): Uncertain significance (1 of 4 stars; one submission).

Allele frequency attached by ClinVar (database versions not stated): ExAC 0.00001; gnomAD 0.00001; gnomAD exomes 0.00001; TOPMed 0.00001.

Submission:

Labcorp Genetics (formerly Invitae), Labcorp
Classification: Uncertain significance. Last evaluated: 2026-01-18. Review status: criteria provided, single submitter. Criteria: Invitae Variant Classification Sherloc (09022015). Collection method: clinical testing. Allele origin: germline.
Comment: This sequence change replaces alanine, which is neutral and non-polar, with valine, which is neutral and non-polar, at codon 333 of the EMC1 protein (p.Ala333Val). This variant is present in population databases (rs200540304, gnomAD 0.002%). This variant has not been reported in the literature in individuals affected with EMC1-related conditions. ClinVar contains an entry for this variant (Variation ID: 1478586). Invitae Evidence Modeling of protein sequence and biophysical properties (such as structural, functional, and spatial information, amino acid conservation, physicochemical variation, residue mobility, and thermodynamic stability) indicates that this missense variant is not expected to disrupt EMC1 protein function with a negative predictive value of 80%. In summary, the available evidence is currently insufficient to determine the role of this variant in disease. Therefore, it has been classified as a Variant of Uncertain Significance.

NM_015047.3(EMC1):c.998C>T (p.Ala333Val)

Genes: EMC1 (ER membrane protein complex subunit 1; minus strand), EMC1-AS1 (EMC1 antisense RNA 1; plus strand). Cytogenetic location: 1p36.13.
Variant type: single nucleotide variant.
Coding change: c.998C>T on transcript NM_015047.3 (MANE Select); coding-DNA position 998, C replaced by T.
Protein change: p.Ala333Val; replaces alanine 333 with valine.
Molecular consequence: missense variant.
Genome position (GRCh38, 1-based): chr1:19,239,259, G>A on the plus strand (C>T on the coding strand, the complement: EMC1 is on the minus strand). VCF-style: chr1-19239259-G-A. GRCh37 (hg19) VCF-style: chr1-19565753-G-A.
Other names: c.998C>T, p.Ala333Val (NM_001271427.2, NM_001271428.2, NM_001375820.1 and 1 more transcripts); c.932C>T, p.Ala311Val (NM_001271429.2); short protein forms A333V, A311V.
Identifiers: ClinVar variation 1478586 (VCV001478586.8), dbSNP rs200540304, ClinGen allele CA652721.
Genomic context (GRCh38, chr1:19,239,259, plus strand): 5'-CCCAAGTGCTGACTGTTGTTCTCAATACTCACCACTTCATTCCGACAGGCCATGACTGCA[G>A]CCACCGTCTTCTCCCCAGTGGTGGCAAAGCTCACTAGGGCAGTCTGGGGGAAAAGCAAGG-3'
Protein context (NP_055862.1, residues 323-343): SFATTGEKTV[Ala333Val]AVMACRNEVQ